The following is an entry in ClinVar:

ClinVar aggregate classification (germline): Conflicting classifications of pathogenicity. Review status: criteria provided, conflicting classifications (1 of 4 stars). 8 submissions from 8 submitters: Likely pathogenic (2); Uncertain significance (6). Last evaluated 2026-02-01.

Conditions:
Cardiovascular phenotype. Identifiers: MedGen CN230736.
Hypertrophic cardiomyopathy 2. Also called: TNNT2-Related Familial Hypertrophic Cardiomyopathy. Identifiers: MedGen C1861864, MONDO:0007266, OMIM 115195.
Dilated cardiomyopathy 1D. Identifiers: Orphanet 154, Orphanet 54260, MedGen C1832243, MONDO:0011095, OMIM 601494.
Cardiomyopathy, familial restrictive, 3. Identifiers: Orphanet 75249, MedGen C2676271, MONDO:0012900, OMIM 612422.
Cardiomyopathy (CMYO). Also called: Cardiomyopathies. Identifiers: Orphanet 167848, MedGen C0878544, MONDO:0004994, HP:0001638. Inheritance: Various modes of inheritance.
Hypertrophic cardiomyopathy. Also called: HYPERTROPHIC MYOCARDIOPATHY. Identifiers: Orphanet 217569, MedGen C0007194, MeSH D002312, MONDO:0005045, HP:0001639.

Submissions (8):

Labcorp Genetics (formerly Invitae), Labcorp
Classification: Likely pathogenic for Cardiomyopathy, familial restrictive, 3; Hypertrophic cardiomyopathy 2; Dilated cardiomyopathy 1D. Last evaluated: 2026-02-01. Review status: criteria provided, single submitter. Criteria: Invitae Variant Classification Sherloc (09022015). Collection method: clinical testing. Allele origin: germline.
Comment: This sequence change replaces arginine, which is basic and polar, with threonine, which is neutral and polar, at codon 84 of the TNNT2 protein (p.Arg84Thr). This variant is not present in population databases (gnomAD no frequency). This missense change has been observed in individuals with hypertrophic cardiomyopathy (PMID: 27483260, 27532257, 31424582; internal data). This variant is also known as c.281G>C (p.Arg94Thr). ClinVar contains an entry for this variant (Variation ID: 43623). Invitae Evidence Modeling of protein sequence and biophysical properties (such as structural, functional, and spatial information, amino acid conservation, physicochemical variation, residue mobility, and thermodynamic stability) indicates that this missense variant is not expected to disrupt TNNT2 protein function with a negative predictive value of 80%. In summary, the currently available evidence indicates that the variant is pathogenic, but additional data are needed to prove that conclusively. Therefore, this variant has been classified as Likely Pathogenic.

Molecular Diagnostic Laboratory for Inherited Cardiovascular Disease, Montreal Heart Institute
Classification: Likely pathogenic for Cardiovascular phenotype. Last evaluated: 2026-01-07. Review status: criteria provided, single submitter. Criteria: ACMG Guidelines, 2015. Collection method: clinical testing. Allele origin: germline. Affected: yes.
Comment: PS4_mod, PM1, PM2, PP2, PP3

Color Diagnostics, LLC DBA Color Health
Classification: Uncertain significance for Cardiomyopathy. Last evaluated: 2024-12-11. Review status: criteria provided, single submitter. Criteria: ACMG Guidelines, 2015. Collection method: clinical testing. Allele origin: germline.
Comment: This missense variant (also known as c.281G>C p.Arg94Thr based on a different transcript NM_001276345.2) replaces arginine with threonine at codon 84 of the TNNT2 protein. This variant is found within a highly conserved region of the tropomyosin binding domain. Missense variants in this region have been shown to be significantly overrepresented in individuals with affected with hypertrophic cardiomyopathy (PMID: 30696458). Computational prediction suggests that this variant may have a deleterious impact on protein structure and function. This variant has been reported in several individuals affected with hypertrophic cardiomyopathy (PMID: 27483260, 27532257, 31424582, 32481709). In one family, this variant was identified in individual affected with hypertrophic cardiomyopathy and in two unaffected individuals (PMID: 31424582). This variant has also been reported in an individual affected with hypertrophic cardiomyopathy and Wolff-Parkinson-White syndrome, who also carried a splice variant in the MYBPC3 gene (PMID: 30585570). This variant has not been identified in the general population by the Genome Aggregation Database (gnomAD). The available evidence is insufficient to determine the role of this variant in disease conclusively. Therefore, this variant is classified as a Variant of Uncertain Significance.

CHEO Genetics Diagnostic Laboratory, Children's Hospital of Eastern Ontario
Classification: Uncertain significance for Cardiomyopathy. Last evaluated: 2021-02-26. Review status: criteria provided, single submitter. Criteria: ACMG Guidelines, 2015. Collection method: clinical testing. Allele origin: germline.

GeneDx
Classification: Uncertain significance. Last evaluated: 2020-01-31. Review status: criteria provided, single submitter. Criteria: GeneDx Variant Classification Process June 2021. Collection method: clinical testing. Allele origin: germline. Affected: yes.
Comment: Not observed in large population cohorts (Lek et al., 2016); In silico analysis, which includes protein predictors and evolutionary conservation, supports a deleterious effect; This variant is associated with the following publications: (PMID: 27532257, 27483260, 31424582)

Ambry Genetics
Classification: Uncertain significance for Cardiovascular phenotype. Last evaluated: 2019-05-10. Review status: criteria provided, single submitter. Criteria: Ambry Variant Classification Scheme 2023. Collection method: clinical testing. Allele origin: germline.

Laboratory for Molecular Medicine, Mass General Brigham Personalized Medicine
Classification: Uncertain significance. Last evaluated: 2014-12-30. Review status: criteria provided, single submitter. Criteria: LMM Criteria. Collection method: clinical testing. Allele origin: germline. Observed: 3 variant alleles.
Comment: Variant classified as Uncertain Significance - Favor Pathogenic. The p.Arg84Thr variant in TNNT2 has been identified by our laboratory in 2 Asian adults with HC M and segregated with disease in one affected family member. It was absent from large population studies, including a cohort of Asian individuals. Arginine (Arg) at position 84 is conserved in mammals, but n ot in evolutionary distant species. However, the change to threonine (Thr) was p redicted to be pathogenic using a computational tool clinically validated by our laboratory. This tool's pathogenic prediction is estimated to be correct 94% of the time (Jordan 2011). In summary, while there is suspicion for a pathogenic r ole, the clinical significance of the p.Arg84Thr variant is uncertain.

Genetics and Genomics Program, Sidra Medicine
Classification: Uncertain significance for Hypertrophic cardiomyopathy. Review status: criteria provided, single submitter. Criteria: ACMG Guidelines, 2015. Collection method: research. Allele origin: unknown. Affected: yes. Observed: 1 variant allele.

Literature cited by the submitters: PubMed 27483260 (cited by Labcorp Genetics (formerly Invitae), Labcorp and Color Diagnostics, LLC DBA Color Health); PubMed 27532257 (cited by Labcorp Genetics (formerly Invitae), Labcorp and Color Diagnostics, LLC DBA Color Health); PubMed 31424582 (cited by Labcorp Genetics (formerly Invitae), Labcorp and Color Diagnostics, LLC DBA Color Health); PubMed 30585570 (cited by Color Diagnostics, LLC DBA Color Health); PubMed 30696458 (cited by Color Diagnostics, LLC DBA Color Health); PubMed 32481709 (cited by Color Diagnostics, LLC DBA Color Health).

NM_001276345.2(TNNT2):c.281G>C (p.Arg94Thr)

Gene: TNNT2 (troponin T2, cardiac type; minus strand). Cytogenetic location: 1q32.1.
Variant type: single nucleotide variant.
Coding change: c.281G>C on transcript NM_001276345.2 (MANE Select); coding-DNA position 281, G replaced by C.
Protein change: p.Arg94Thr; replaces arginine 94 with threonine.
Molecular consequence: missense variant.
Genome position (GRCh38, 1-based): chr1:201,365,623, C>G on the plus strand (G>C on the coding strand, the complement: TNNT2 is on the minus strand). VCF-style: chr1-201365623-C-G. GRCh37 (hg19) VCF-style: chr1-201334751-C-G.
Other names: p.R84T:AGA>ACA; c.281G>C, p.Arg94Thr (NM_000364.4); c.251G>C, p.Arg84Thr (NM_001001430.3, NM_001001431.3, NM_001276347.2); c.236G>C, p.Arg79Thr (NM_001001432.3); c.278G>C, p.Arg93Thr (NM_001276346.2); c.251G>C (NM_001001430.2); short protein forms R84T, R94T, R93T, R79T.
Identifiers: ClinVar variation 43623 (VCV000043623.27), dbSNP rs397516452, ClinGen allele CA004216.